The following is an entry in ClinVar:

ClinVar aggregate classification (germline): Uncertain significance. Review status: criteria provided, multiple submitters, no conflicts (2 of 4 stars). 2 submissions from 2 submitters: Uncertain significance (2). Last evaluated 2025-09-07.

Allele frequency attached by ClinVar (database versions not stated): gnomAD exomes below 0.00001.

Submissions (2):

Labcorp Genetics (formerly Invitae), Labcorp
Classification: Uncertain significance. Last evaluated: 2025-09-07. Review status: criteria provided, single submitter. Criteria: Invitae Variant Classification Sherloc (09022015). Collection method: clinical testing. Allele origin: germline.
Comment: This sequence change replaces aspartic acid, which is acidic and polar, with asparagine, which is neutral and polar, at codon 298 of the C1S protein (p.Asp298Asn). This variant is present in population databases (no rsID available, gnomAD no frequency). This variant has not been reported in the literature in individuals affected with C1S-related conditions. ClinVar contains an entry for this variant (Variation ID: 2071293). Invitae Evidence Modeling of protein sequence and biophysical properties (such as structural, functional, and spatial information, amino acid conservation, physicochemical variation, residue mobility, and thermodynamic stability) indicates that this missense variant is not expected to disrupt C1S protein function with a negative predictive value of 80%. In summary, the available evidence is currently insufficient to determine the role of this variant in disease. Therefore, it has been classified as a Variant of Uncertain Significance.

Mayo Clinic Laboratories, Mayo Clinic
Classification: Uncertain significance. Last evaluated: 2025-09-06. Review status: criteria provided, single submitter. Criteria: ACMG Guidelines, 2015. Collection method: clinical testing. Allele origin: germline. Observed: 1 variant allele.
Comment: BP4_moderate

NM_001734.5(C1S):c.892G>A (p.Asp298Asn)

Gene: C1S (complement C1s; plus strand). Cytogenetic location: 12p13.31.
Variant type: single nucleotide variant.
Coding change: c.892G>A on transcript NM_001734.5 (MANE Select); coding-DNA position 892, G replaced by A.
Protein change: p.Asp298Asn; replaces aspartic acid 298 with asparagine.
Molecular consequence: missense variant.
Genome position (GRCh38, 1-based): chr12:7,066,538, G>A. VCF-style: chr12-7066538-G-A. GRCh37 (hg19) VCF-style: chr12-7173842-G-A.
Other names: p.Asp298Asn; c.391G>A, p.Asp131Asn (NM_001346850.2); c.892G>A, p.Asp298Asn (NM_201442.4); short protein forms D131N, D298N.
Identifiers: ClinVar variation 2071293 (VCV002071293.5), dbSNP rs962919522, ClinGen allele CA232455721.